The following is an entry in ClinVar:

ClinVar aggregate classification (germline): Uncertain significance. Review status: criteria provided, multiple submitters, no conflicts (2 of 4 stars). 2 submissions from 2 submitters: Uncertain significance (2). Last evaluated 2025-09-12.

Allele frequency attached by ClinVar (database versions not stated): gnomAD 0.00001; gnomAD exomes 0.00001; TOPMed 0.00001.
gnomAD v4.1: 9 of 1,613,724 alleles (0.00056%); highest among the groups gnomAD compares: Admixed American, 0.015%; no homozygotes.

Submissions (2):

GeneDx
Classification: Uncertain significance. Last evaluated: 2025-09-12. Review status: criteria provided, single submitter. Criteria: GeneDx Variant Classification Process June 2021. Collection method: clinical testing. Allele origin: germline.
Comment: In silico analysis supports that this missense variant has a deleterious effect on protein structure/function; Has not been previously published as pathogenic or benign to our knowledge

Labcorp Genetics (formerly Invitae), Labcorp
Classification: Uncertain significance. Last evaluated: 2023-10-06. Review status: criteria provided, single submitter. Criteria: Invitae Variant Classification Sherloc (09022015). Collection method: clinical testing. Allele origin: germline.
Comment: This sequence change replaces glycine with alanine at codon 902 of the COL4A2 protein (p.Gly902Ala). The glycine residue is highly conserved and there is a small physicochemical difference between glycine and alanine. This variant is present in population databases (no rsID available, gnomAD 0.01%). This variant has not been reported in the literature in individuals affected with COL4A2-related conditions. ClinVar contains an entry for this variant (Variation ID: 1401058). Advanced modeling of protein sequence and biophysical properties (such as structural, functional, and spatial information, amino acid conservation, physicochemical variation, residue mobility, and thermodynamic stability) has been performed at Invitae for this missense variant, however the output from this modeling did not meet the statistical confidence thresholds required to predict the impact of this variant on COL4A2 protein function. In summary, the available evidence is currently insufficient to determine the role of this variant in disease. Therefore, it has been classified as a Variant of Uncertain Significance.

NM_001846.4(COL4A2):c.2705G>C (p.Gly902Ala)

Gene: COL4A2 (collagen type IV alpha 2 chain; plus strand). Cytogenetic location: 13q34.
Variant type: single nucleotide variant.
Coding change: c.2705G>C on transcript NM_001846.4 (MANE Select); coding-DNA position 2705, G replaced by C.
Protein change: p.Gly902Ala; replaces glycine 902 with alanine.
Molecular consequence: missense variant.
Genome position (GRCh38, 1-based): chr13:110,480,337, G>C. VCF-style: chr13-110480337-G-C. GRCh37 (hg19) VCF-style: chr13-111132684-G-C.
Other names: c.2705G>C (NM_001846.2); short protein forms G902A.
Identifiers: ClinVar variation 1401058 (VCV001401058.8), dbSNP rs1388143812, ClinGen allele CA388726774.